The following is an entry in ClinVar:

NM_021830.5(TWNK):c.1159G>A (p.Ala387Thr)

Gene: TWNK (twinkle mtDNA helicase; plus strand). Cytogenetic location: 10q24.31.
Variant type: single nucleotide variant.
Coding change: c.1159G>A on transcript NM_021830.5 (MANE Select); coding-DNA position 1159, G replaced by A.
Protein change: p.Ala387Thr; replaces alanine 387 with threonine.
Molecular consequence: missense variant. On other transcripts: non-coding transcript variant (4), intron variant (3).
Genome position (GRCh38, 1-based): chr10:100,989,369, G>A. VCF-style: chr10-100989369-G-A. GRCh37 (hg19) VCF-style: chr10-102749126-G-A.
Other names: c.1159G>A, p.Ala387Thr (NM_001163812.2); c.-119-275G>A (NM_001163814.2, NM_001163813.2); c.-57-337G>A (NM_001368275.1); short protein forms A387T.
Identifiers: ClinVar variation 3604624 (VCV003604624.2).

ClinVar aggregate classification (germline): Uncertain significance (1 of 4 stars; one submission).

Submission:

Labcorp Genetics (formerly Invitae), Labcorp
Classification: Uncertain significance. Last evaluated: 2024-10-08. Review status: criteria provided, single submitter. Criteria: Invitae Variant Classification Sherloc (09022015). Collection method: clinical testing. Allele origin: germline.
Comment: This sequence change replaces alanine, which is neutral and non-polar, with threonine, which is neutral and polar, at codon 387 of the TWNK protein (p.Ala387Thr). This variant is present in population databases (rs377177910, gnomAD 0.007%). This variant has not been reported in the literature in individuals affected with TWNK-related conditions. Invitae Evidence Modeling of protein sequence and biophysical properties (such as structural, functional, and spatial information, amino acid conservation, physicochemical variation, residue mobility, and thermodynamic stability) indicates that this missense variant is not expected to disrupt TWNK protein function with a negative predictive value of 80%. In summary, the available evidence is currently insufficient to determine the role of this variant in disease. Therefore, it has been classified as a Variant of Uncertain Significance.